The following is an entry in ClinVar:

NM_001170629.2(CHD8):c.5390+6A>G

Gene: CHD8 (chromodomain helicase DNA binding protein 8; minus strand). Cytogenetic location: 14q11.2.
Variant type: single nucleotide variant.
Coding change: c.5390+6A>G on transcript NM_001170629.2 (MANE Select); 6 bases into the intron after coding-DNA position 5390, A replaced by G.
Molecular consequence: intron variant.
Genome position (GRCh38, 1-based): chr14:21,394,906, T>C on the plus strand (A>G on the coding strand, the complement: CHD8 is on the minus strand). VCF-style: chr14-21394906-T-C. GRCh37 (hg19) VCF-style: chr14-21863065-T-C.
Other names: c.5390+6A>G (NM_001170629.1); c.4553+6A>G (NM_020920.4).
Identifiers: ClinVar variation 1218827 (VCV001218827.9), dbSNP rs778452195, ClinGen allele CA7090976.

ClinVar aggregate classification (germline): Conflicting classifications of pathogenicity. Review status: criteria provided, conflicting classifications (1 of 4 stars). 3 submissions from 3 submitters: Uncertain significance (2); Likely benign (1). Last evaluated 2022-06-15.

Conditions:
Inborn genetic diseases. Identifiers: MedGen C0950123, MeSH D030342.

Allele frequency attached by ClinVar (database versions not stated): gnomAD exomes below 0.00001; gnomAD 0.00001; TOPMed 0.00001; ExAC 0.00002.
gnomAD v4.1: 4 of 1,613,332 alleles (0.00025%); highest among the groups gnomAD compares: East Asian, 0.0045%; no homozygotes.

Submissions (3):

Labcorp Genetics (formerly Invitae), Labcorp
Classification: Uncertain significance. Last evaluated: 2022-06-15. Review status: criteria provided, single submitter. Criteria: Invitae Variant Classification Sherloc (09022015). Collection method: clinical testing. Allele origin: germline.
Comment: In summary, the available evidence is currently insufficient to determine the role of this variant in disease. Therefore, it has been classified as a Variant of Uncertain Significance. Variants that disrupt the consensus splice site are a relatively common cause of aberrant splicing (PMID: 17576681, 9536098). Algorithms developed to predict the effect of sequence changes on RNA splicing suggest that this variant is not likely to affect RNA splicing. ClinVar contains an entry for this variant (Variation ID: 1218827). This variant has not been reported in the literature in individuals affected with CHD8-related conditions. This variant is present in population databases (rs778452195, gnomAD 0.006%). This sequence change falls in intron 29 of the CHD8 gene. It does not directly change the encoded amino acid sequence of the CHD8 protein. It affects a nucleotide within the consensus splice site.

Ambry Genetics
Classification: Uncertain significance for Inborn genetic diseases. Last evaluated: 2022-03-30. Review status: criteria provided, single submitter. Criteria: Ambry Variant Classification Scheme 2023. Collection method: clinical testing. Allele origin: germline.
Comment: The c.5390+6A>G intronic alteration consists of a A to G substitution 6 nucleotides after exon 29 of the CHD8 gene. Based on insufficient or conflicting evidence, the clinical significance of this alteration remains unclear.

GeneDx
Classification: Likely benign. Last evaluated: 2020-10-27. Review status: criteria provided, single submitter. Criteria: GeneDx Variant Classification Process June 2021. Collection method: clinical testing. Allele origin: germline. Affected: yes.

Literature cited by the submitters: PubMed 17576681 (cited by Labcorp Genetics (formerly Invitae), Labcorp); PubMed 9536098 (cited by Labcorp Genetics (formerly Invitae), Labcorp).